The following is an entry in ClinVar:

ClinVar aggregate classification (germline): Uncertain significance (1 of 4 stars; one submission).

Conditions:
Immunodeficiency 39 (IMD39). Identifiers: Orphanet 574918, MedGen C4225358, MONDO:0014597, OMIM 616345.

Allele frequency attached by ClinVar (database versions not stated): gnomAD 0.00002; gnomAD exomes 0.00004.
gnomAD v4.1: 23 of 1,585,662 alleles (0.0015%); highest among the groups gnomAD compares: Non-Finnish European, 0.002%; no homozygotes.

Submission:

Labcorp Genetics (formerly Invitae), Labcorp
Classification: Uncertain significance for Immunodeficiency 39. Last evaluated: 2024-07-10. Review status: criteria provided, single submitter. Criteria: Invitae Variant Classification Sherloc (09022015). Collection method: clinical testing. Allele origin: germline.
Comment: This sequence change creates a premature translational stop signal (p.Trp104*) in the IRF7 gene. It is expected to result in an absent or disrupted protein product. However, the current clinical and genetic evidence is not sufficient to establish whether loss-of-function variants in IRF7 cause disease. The frequency data for this variant in the population databases is considered unreliable, as metrics indicate poor data quality at this position in the gnomAD database. This variant has not been reported in the literature in individuals affected with IRF7-related conditions. Algorithms developed to predict the effect of variants on gene product structure and function are not available or were not evaluated for this variant. Experimental studies have shown that this premature translational stop signal affects IRF7 function (PMID: 35670811). In summary, the available evidence is currently insufficient to determine the role of this variant in disease. Therefore, it has been classified as a Variant of Uncertain Significance.

Literature cited by the submitters: PubMed 35670811.

NM_001572.5(IRF7):c.273G>A (p.Trp91Ter)

Gene: IRF7 (interferon regulatory factor 7; minus strand). Cytogenetic location: 11p15.5.
Variant type: single nucleotide variant.
Coding change: c.273G>A on transcript NM_001572.5 (MANE Select); coding-DNA position 273, G replaced by A.
Protein change: p.Trp91Ter; replaces tryptophan 91 with a stop codon.
Molecular consequence: nonsense.
Genome position (GRCh38, 1-based): chr11:614,918, C>T on the plus strand (G>A on the coding strand, the complement: IRF7 is on the minus strand). VCF-style: chr11-614918-C-T. GRCh37 (hg19) VCF-style: chr11-614918-C-T.
Other names: c.273G>A, p.Trp91Ter (NM_004029.4); c.312G>A, p.Trp104Ter (NM_004031.4); short protein forms W104*, W91*.
Identifiers: ClinVar variation 2869752 (VCV002869752.3), dbSNP rs1416109339, ClinGen allele CA378983285.
Genomic context (GRCh38, chr11:614,918, plus strand): 5'-GTTATCCCGCAGCATCACGAAGCGACGCGTGCTGCGCAGTGCGCAGCGGAAGTTGGTTTT[C>T]CAGCCGGCGCGCTCCGCAGTCTCAGCCTCGGGGGGCGGGCCACCTCCCCTGCTGCTAGGC-3'